The following is an entry in ClinVar:

NM_000059.4(BRCA2):c.4546dup (p.Ile1516fs)

Gene: BRCA2 (BRCA2 DNA repair associated; plus strand). Cytogenetic location: 13q13.1.
Variant type: Duplication.
Coding change: c.4546dup on transcript NM_000059.4 (MANE Select); coding-DNA position 4546, one base duplicated (A; older notation c.4546dupA).
Protein change: p.Ile1516fs; shifts the reading frame from isoleucine 1516.
Molecular consequence: frameshift variant.
Genome position (GRCh38, 1-based): chr13:32,338,901, A duplicated. VCF-style (leftmost placement, unchanged base first): chr13-32338900-G-GA. GRCh37 (hg19) VCF-style: chr13-32913037-G-GA.
Other names: 4773insA; c.4546dupA (NM_000059.3); short protein forms I1516fs.
Identifiers: ClinVar variation 51667 (VCV000051667.4), dbSNP rs80359456, ClinGen allele CA020383.

ClinVar aggregate classification (germline): Pathogenic. Review status: reviewed by expert panel (3 of 4 stars). 2 submissions from 2 submitters: Pathogenic (1). 1 of the submissions does not count toward it. Last evaluated 2016-09-08.

Conditions:
Breast-ovarian cancer, familial, susceptibility to, 2 (BROVCA2). Also called: BRCA2 Hereditary Breast and Ovarian Cancer. Identifiers: Orphanet 145, MedGen C2675520, MONDO:0012933, OMIM 612555. Disease mechanism: loss of function.

Submissions (2):

Evidence-based Network for the Interpretation of Germline Mutant Alleles (ENIGMA)
Classification: Pathogenic for Breast-ovarian cancer, familial, susceptibility to, 2. Last evaluated: 2016-09-08. Review status: reviewed by expert panel. Criteria: ENIGMA BRCA1/2 Classification Criteria (2015). Collection method: curation. Allele origin: germline.
Comment: Variant allele predicted to encode a truncated non-functional protein.

Breast Cancer Information Core (BIC) (BRCA2)
Classification: Pathogenic for Breast-ovarian cancer, familial 2. Last evaluated: 2002-05-29. Review status: no assertion criteria provided. Collection method: clinical testing. Allele origin: germline. Affected: yes. Observed: 1 variant allele. Not counted in ClinVar's aggregate classification.